The following is an entry in ClinVar:

NM_013447.4(ADGRE2):c.955G>A (p.Glu319Lys)

Gene: ADGRE2 (adhesion G protein-coupled receptor E2; minus strand). Cytogenetic location: 19p13.12.
Variant type: single nucleotide variant.
Coding change: c.955G>A on transcript NM_013447.4 (MANE Select); coding-DNA position 955, G replaced by A.
Protein change: p.Glu319Lys; replaces glutamic acid 319 with lysine.
Molecular consequence: missense variant.
Genome position (GRCh38, 1-based): chr19:14,764,562, C>T on the plus strand (G>A on the coding strand, the complement: ADGRE2 is on the minus strand). VCF-style: chr19-14764562-C-T. GRCh37 (hg19) VCF-style: chr19-14875374-C-T.
Other names: c.955G>A, p.Glu319Lys (NM_001271052.1); c.808G>A, p.Glu270Lys (NM_152916.2); c.676G>A, p.Glu226Lys (NM_152917.2); short protein forms E226K, E319K, E270K.
Identifiers: ClinVar variation 4694171 (VCV004694171.1).

ClinVar aggregate classification (germline): Uncertain significance (1 of 4 stars; one submission).

Submission:

Labcorp Genetics (formerly Invitae), Labcorp
Classification: Uncertain significance. Last evaluated: 2025-10-26. Review status: criteria provided, single submitter. Criteria: Invitae Variant Classification Sherloc (09022015). Collection method: clinical testing. Allele origin: germline.
Comment: This sequence change replaces glutamic acid, which is acidic and polar, with lysine, which is basic and polar, at codon 319 of the ADGRE2 protein (p.Glu319Lys). This variant is present in population databases (no rsID available, gnomAD 0.0009%). This variant has not been reported in the literature in individuals affected with ADGRE2-related conditions. An algorithm developed to predict the effect of missense changes on protein structure and function outputs the following: PolyPhen-2: "Benign". The lysine amino acid residue is found in multiple mammalian species, which suggests that this missense change does not adversely affect protein function. In summary, the available evidence is currently insufficient to determine the role of this variant in disease. Therefore, it has been classified as a Variant of Uncertain Significance.